The following is an entry in ClinVar:

ClinVar aggregate classification (germline): Pathogenic (1 of 4 stars; one submission).

Submission:

Labcorp Genetics (formerly Invitae), Labcorp
Classification: Pathogenic. Last evaluated: 2023-10-22. Review status: criteria provided, single submitter. Criteria: Invitae Variant Classification Sherloc (09022015). Collection method: clinical testing. Allele origin: germline.
Comment: This sequence change creates a premature translational stop signal (p.Tyr667*) in the ADAMTSL4 gene. It is expected to result in an absent or disrupted protein product. Loss-of-function variants in ADAMTSL4 are known to be pathogenic (PMID: 20564469, 28642162). This variant is not present in population databases (gnomAD no frequency). This variant has not been reported in the literature in individuals affected with ADAMTSL4-related conditions. For these reasons, this variant has been classified as Pathogenic.

Literature cited by the submitters: PubMed 20564469; PubMed 28642162.

NM_019032.6(ADAMTSL4):c.2001C>A (p.Tyr667Ter)

Genes: ADAMTSL4 (ADAMTS like 4; plus strand), ADAMTSL4-AS2 (ADAMTSL4 antisense RNA 2; minus strand). Cytogenetic location: 1q21.2.
Variant type: single nucleotide variant.
Coding change: c.2001C>A on transcript NM_019032.6 (MANE Select); coding-DNA position 2001, C replaced by A.
Protein change: p.Tyr667Ter; replaces tyrosine 667 with a stop codon.
Molecular consequence: nonsense.
Genome position (GRCh38, 1-based): chr1:150,557,289, C>A. VCF-style: chr1-150557289-C-A. GRCh37 (hg19) VCF-style: chr1-150529765-C-A.
Other names: c.1884C>A, p.Tyr628Ter (NM_001288607.2); c.2070C>A, p.Tyr690Ter (NM_001288608.2); c.2001C>A, p.Tyr667Ter (NM_001378596.1, NM_025008.5); short protein forms Y667*, Y690*, Y628*.
Identifiers: ClinVar variation 2770491 (VCV002770491.3), dbSNP rs1340680560, ClinGen allele CA342313739.
Genomic context (GRCh38, chr1:150,557,289, plus strand): 5'-GATCCCCCAGATGCCCGCCCCGCCCCATCCCAGGACACCCCTGGGGTCTCCAGCTGCGTA[C>A]TGGAAACGAGTGGGACACTCTGCATGCTCAGCGTCCTGCGGGAAAGGTGAGACATCACAG-3'